The following is an entry in ClinVar:

ClinVar aggregate classification (germline): Conflicting classifications of pathogenicity. Review status: criteria provided, conflicting classifications (1 of 4 stars). 2 submissions from 2 submitters: Uncertain significance (1); Likely benign (1). Last evaluated 2024-09-27.

Conditions:
Angelman syndrome (AS). Also called: HAPPY PUPPET SYNDROME. Identifiers: Orphanet 72, MedGen C0162635, MONDO:0007113, OMIM 105830. Disease mechanism: loss of function. Inheritance: AS is caused by disruption of maternally imprinted UBE3A located within the 15q11.2-q13 Angelman syndrome/Prader-Willi syndrome (AS/PWS) region., imprinting disorder.

Allele frequency attached by ClinVar (database versions not stated): TOPMed below 0.00001; gnomAD exomes 0.00001 and 0.00002; ExAC 0.00003.
gnomAD v4.1: 13 of 1,613,776 alleles (0.00081%); highest among the groups gnomAD compares: Middle Eastern, 0.033%; no homozygotes.

Submissions (2):

Labcorp Genetics (formerly Invitae), Labcorp
Classification: Uncertain significance for Angelman syndrome. Last evaluated: 2024-09-27. Review status: criteria provided, single submitter. Criteria: Invitae Variant Classification Sherloc (09022015). Collection method: clinical testing. Allele origin: germline.
Comment: This sequence change replaces methionine, which is neutral and non-polar, with valine, which is neutral and non-polar, at codon 669 of the UBE3A protein (p.Met669Val). This variant is present in population databases (rs755765955, gnomAD 0.006%). This variant has not been reported in the literature in individuals affected with UBE3A-related conditions. ClinVar contains an entry for this variant (Variation ID: 1207323). Invitae Evidence Modeling of protein sequence and biophysical properties (such as structural, functional, and spatial information, amino acid conservation, physicochemical variation, residue mobility, and thermodynamic stability) indicates that this missense variant is not expected to disrupt UBE3A protein function with a negative predictive value of 95%. In summary, the available evidence is currently insufficient to determine the role of this variant in disease. Therefore, it has been classified as a Variant of Uncertain Significance.

GeneDx
Classification: Likely benign. Last evaluated: 2019-11-14. Review status: criteria provided, single submitter. Criteria: GeneDx Variant Classification Process June 2021. Collection method: clinical testing. Allele origin: germline. Affected: yes.

NM_130839.5(UBE3A):c.2065A>G (p.Met689Val)

Genes: SNHG14 (small nucleolar RNA host gene 14; plus strand), UBE3A (ubiquitin protein ligase E3A; minus strand). Cytogenetic location: 15q11.2.
Variant type: single nucleotide variant.
Coding change: c.2065A>G on transcript NM_130839.5 (MANE Select); coding-DNA position 2065, A replaced by G.
Protein change: p.Met689Val; replaces methionine 689 with valine.
Molecular consequence: missense variant. On other transcripts: non-coding transcript variant (1), intron variant (1).
Genome position (GRCh38, 1-based): chr15:25,355,951, T>C on the plus strand (A>G on the coding strand, the complement: UBE3A is on the minus strand). VCF-style: chr15-25355951-T-C. GRCh37 (hg19) VCF-style: chr15-25601098-T-C.
Other names: c.2074A>G, p.Met692Val (NM_000462.5); c.2065A>G, p.Met689Val (NM_001354505.1, NM_001354538.2, NM_001354545.2); c.2005A>G, p.Met669Val (NM_001354506.2, NM_001354507.2, NM_001354508.2 and 16 more transcripts); c.1888A>G, p.Met630Val (NM_001354546.2); c.814A>G, p.Met272Val (NM_001354550.2); c.754A>G, p.Met252Val (NM_001354551.2); c.1899+740A>G (NM_001354549.2); short protein forms M252V, M272V, M630V, M669V, M689V, M692V.
Identifiers: ClinVar variation 1207323 (VCV001207323.5), dbSNP rs755765955, ClinGen allele CA7435444.